The following is an entry in ClinVar:

NM_020338.4(ZMIZ1):c.60+3G>A

Gene: ZMIZ1 (zinc finger MIZ-type containing 1; plus strand). Cytogenetic location: 10q22.3.
Variant type: single nucleotide variant.
Coding change: c.60+3G>A on transcript NM_020338.4 (MANE Select); 3 bases into the intron after coding-DNA position 60, G replaced by A.
Molecular consequence: intron variant.
Genome position (GRCh38, 1-based): chr10:79,201,695, G>A. VCF-style: chr10-79201695-G-A. GRCh37 (hg19) VCF-style: chr10-80961452-G-A.
Identifiers: ClinVar variation 3678392 (VCV003678392.2).
Genomic context (GRCh38, chr10:79,201,695, plus strand): 5'-GAATTCTATGGACAGGCACATCCAGCAGACCAATGACCGACTGCAGTGCATCAAGCAGGT[G>A]GGTGTGGGGCAAGGCACACTCCGAGGGCGGGGCAGATGGGGCGGGCTGCAGCAGCAGGGC-3'

ClinVar aggregate classification (germline): Uncertain significance (1 of 4 stars; one submission).

gnomAD v4.1: 11 of 1,613,064 alleles (0.00068%); highest among the groups gnomAD compares: East Asian, 0.02%; no homozygotes.

Submission:

Labcorp Genetics (formerly Invitae), Labcorp
Classification: Uncertain significance. Last evaluated: 2024-08-29. Review status: criteria provided, single submitter. Criteria: Invitae Variant Classification Sherloc (09022015). Collection method: clinical testing. Allele origin: germline.
Comment: This sequence change falls in intron 5 of the ZMIZ1 gene. It does not directly change the encoded amino acid sequence of the ZMIZ1 protein. It affects a nucleotide within the consensus splice site. This variant is present in population databases (rs200961127, gnomAD 0.04%). This variant has not been reported in the literature in individuals affected with ZMIZ1-related conditions. Variants that disrupt the consensus splice site are a relatively common cause of aberrant splicing (PMID: 17576681, 9536098). Algorithms developed to predict the effect of sequence changes on RNA splicing suggest that this variant is not likely to affect RNA splicing. In summary, the available evidence is currently insufficient to determine the role of this variant in disease. Therefore, it has been classified as a Variant of Uncertain Significance.

Literature cited by the submitters: PubMed 17576681; PubMed 9536098.